The following is an entry in ClinVar:

ClinVar aggregate classification (germline): Uncertain significance. Review status: criteria provided, multiple submitters, no conflicts (2 of 4 stars). 3 submissions from 2 submitters: Uncertain significance (3). Last evaluated 2020-08-31.

Conditions:
Transitory neonatal diabetes mellitus. Also called: Transient neonatal diabetes mellitus. Identifiers: MedGen C0342273, MONDO:0020525, HP:0008255.
Maturity-onset diabetes of the young (MODY). Also called: Maturity onset diabetes mellitus in young. Identifiers: Orphanet 552, MedGen C0342276, MONDO:0018911, HP:0004904.

Submissions (3):

Women's Health and Genetics/Laboratory Corporation of America, LabCorp
Classification: Uncertain significance. Last evaluated: 2020-08-31. Review status: criteria provided, single submitter. Criteria: LabCorp Variant Classification Summary - May 2015. Collection method: clinical testing. Allele origin: germline.
Comment: Variant summary: ABCC8 c.1453C>A (p.Gln485Lys) results in a conservative amino acid change located in the ABC transporter type 1, transmembrane domain (IPR011527) of the encoded protein sequence. Four of five in-silico tools predict a damaging effect of the variant on protein function. The variant was absent in 251310 control chromosomes (gnomAD). The available data on variant occurrences in the general population are insufficient to allow any conclusion about variant significance. To our knowledge, no occurrence of c.1453C>A in individuals affected with Familial Hyperinsulinism and no experimental evidence demonstrating its impact on protein function have been reported. No clinical diagnostic laboratories have submitted clinical-significance assessments for this variant to ClinVar after 2014. Based on the evidence outlined above, the variant was classified as uncertain significance.

Clinical Genomics, Uppaluri K&H Personalized Medicine Clinic
Classification: Uncertain significance for Maturity-onset diabetes of the young. Review status: criteria provided, single submitter. Criteria: K & H Uppaluri Personalized Medicine Clinic Variant Classification & Assertion Criteria_Updated V.1. Collection method: research. Allele origin: unknown. Inheritance: Somatic mutation.
Comment: Mutations in ABCC8 gene are associated with both neonatal diabetes mellitus as well as MODY. Patients with this mutation may have a better response to sulfonylureas. However, no sufficient evidence is found to ascertain the role of this particular variant (rs1956391008) in MODY yet.

Clinical Genomics, Uppaluri K&H Personalized Medicine Clinic
Classification: Uncertain significance for Transitory neonatal diabetes mellitus. Review status: criteria provided, single submitter. Criteria: K & H Uppaluri Personalized Medicine Clinic Variant Classification & Assertion Criteria_Updated V.1. Collection method: research. Allele origin: unknown. Inheritance: Somatic mutation.
Comment: Mutations in ABCC8 gene are associated with both neonatal diabetes mellitus as well as MODY. Patients with this mutation may have a better response to sulfonylureas. However, no sufficient evidence is found to ascertain the role of this particular variant (rs1956391008) in neonatal diabetes yet.

Literature cited by the submitters: PubMed 16885549 (cited by Clinical Genomics, Uppaluri K&H Personalized Medicine Clinic); PubMed 21989597 (cited by Clinical Genomics, Uppaluri K&H Personalized Medicine Clinic); PubMed 27538677 (cited by Clinical Genomics, Uppaluri K&H Personalized Medicine Clinic); PubMed 18981553 (cited by Clinical Genomics, Uppaluri K&H Personalized Medicine Clinic); PubMed 32027066 (cited by Clinical Genomics, Uppaluri K&H Personalized Medicine Clinic); PubMed 16613899 (cited by Clinical Genomics, Uppaluri K&H Personalized Medicine Clinic); PubMed 18025408 (cited by Clinical Genomics, Uppaluri K&H Personalized Medicine Clinic); PubMed 32792356 (cited by Clinical Genomics, Uppaluri K&H Personalized Medicine Clinic).

NM_000352.6(ABCC8):c.1453C>A (p.Gln485Lys)

Gene: ABCC8 (ATP binding cassette subfamily C member 8; minus strand). Cytogenetic location: 11p15.1.
Variant type: single nucleotide variant.
Coding change: c.1453C>A on transcript NM_000352.6 (MANE Select); coding-DNA position 1453, C replaced by A.
Protein change: p.Gln485Lys; replaces glutamine 485 with lysine.
Molecular consequence: missense variant. On other transcripts: non-coding transcript variant (1).
Genome position (GRCh38, 1-based): chr11:17,443,192, G>T on the plus strand (C>A on the coding strand, the complement: ABCC8 is on the minus strand). VCF-style: chr11-17443192-G-T. GRCh37 (hg19) VCF-style: chr11-17464739-G-T.
Other names: c.1453C>A, p.Gln485Lys (NM_001287174.3, NM_001351295.2); c.1450C>A, p.Gln484Lys (NM_001351296.2, NM_001351297.2); short protein forms Q484K, Q485K.
Identifiers: ClinVar variation 977713 (VCV000977713.2), dbSNP rs1956391008, ClinGen allele CA379766919.
Genomic context (GRCh38, chr11:17,443,192, plus strand): 5'-GAAGGAGGGGAAGAGGGACAAAACACACACACCTTTGGGCACTCACCAGTGTGCTCCGCT[G>T]GGCCTGAGACAGCTTGGTGGCCACGAAGTACTGGACAGGAGCCAGTAGAATGATGACAGC-3'
Protein context (NP_000343.2, residues 475-495): YFVATKLSQA[Gln485Lys]RSTLEYSNER